The following is an entry in ClinVar:

NM_000384.3(APOB):c.4543A>G (p.Asn1515Asp)

Gene: APOB (apolipoprotein B; minus strand). Cytogenetic location: 2p24.1.
Variant type: single nucleotide variant.
Coding change: c.4543A>G on transcript NM_000384.3 (MANE Select); coding-DNA position 4543, A replaced by G.
Protein change: p.Asn1515Asp; replaces asparagine 1515 with aspartic acid.
Molecular consequence: missense variant.
Genome position (GRCh38, 1-based): chr2:21,012,325, T>C on the plus strand (A>G on the coding strand, the complement: APOB is on the minus strand). VCF-style: chr2-21012325-T-C. GRCh37 (hg19) VCF-style: chr2-21235197-T-C.
Other names: short protein forms N1515D.
Identifiers: ClinVar variation 4826818 (VCV004826818.1).

ClinVar aggregate classification (germline): Uncertain significance (1 of 4 stars; one submission).

Conditions:
Cardiovascular phenotype. Identifiers: MedGen CN230736.

gnomAD v4.1: 9 of 1,614,176 alleles (0.00056%); highest among the groups gnomAD compares: Non-Finnish European, 0.00068%; no homozygotes.

Submission:

Ambry Genetics
Classification: Uncertain significance for Cardiovascular phenotype. Last evaluated: 2026-02-24. Review status: criteria provided, single submitter. Criteria: Ambry Variant Classification Scheme 2023. Collection method: clinical testing. Allele origin: germline.
Comment: The p.N1515D variant (also known as c.4543A>G), located in coding exon 26 of the APOB gene, results from an A to G substitution at nucleotide position 4543. The asparagine at codon 1515 is replaced by aspartic acid, an amino acid with highly similar properties. This amino acid position is conserved. In addition, this alteration is predicted to be tolerated by in silico analysis. Based on the available evidence, the clinical significance of this variant remains unclear.